The following is an entry in ClinVar:

NM_015512.5(DNAH1):c.12018A>G (p.Gln4006=)

Gene: DNAH1 (dynein axonemal heavy chain 1; plus strand). Cytogenetic location: 3p21.1.
Variant type: single nucleotide variant.
Coding change: c.12018A>G on transcript NM_015512.5 (MANE Select); coding-DNA position 12018, A replaced by G.
Protein change: p.Gln4006=; no amino-acid change (glutamine 4006 retained).
Molecular consequence: synonymous variant.
Genome position (GRCh38, 1-based): chr3:52,398,091, A>G. VCF-style: chr3-52398091-A-G. GRCh37 (hg19) VCF-style: chr3-52432107-A-G.
Identifiers: ClinVar variation 720620 (VCV000720620.11), dbSNP rs202165132, ClinGen allele CA2436361.

ClinVar aggregate classification (germline): Likely benign. Review status: criteria provided, multiple submitters, no conflicts (2 of 4 stars). 3 submissions from 3 submitters: Likely benign (2). 1 of the submissions does not count toward it. Last evaluated 2026-01-14.

Conditions:
DNAH1-related disorder. Also called: DNAH1-related condition.
Spermatogenic failure 18. Identifiers: MedGen C4539783, MONDO:0054615, OMIM 617576.
Ciliary dyskinesia, primary, 37 (CILD37). Also called: CILIARY DYSKINESIA, PRIMARY, 37, WITH OR WITHOUT SITUS INVERSUS. Identifiers: MedGen C4539798, MONDO:0033204, OMIM 617577.

Allele frequency attached by ClinVar (database versions not stated): ExAC 0.00007; gnomAD exomes 0.00012 and 0.00026; TOPMed 0.00012; ESP Exome Variant Server 0.00015; 1000 Genomes Project 30x 0.00016; gnomAD 0.00016 and 0.00017.
gnomAD v4.1: 390 of 1,613,894 alleles (0.024%); highest among the groups gnomAD compares: Non-Finnish European, 0.032%; no homozygotes.

Submissions (3):

Labcorp Genetics (formerly Invitae), Labcorp
Classification: Likely benign for Ciliary dyskinesia, primary, 37; Spermatogenic failure 18. Last evaluated: 2026-01-14. Review status: criteria provided, single submitter. Criteria: Invitae Variant Classification Sherloc (09022015). Collection method: clinical testing. Allele origin: germline.

Blueprint Genetics
Classification: Likely benign. Last evaluated: 2023-08-10. Review status: criteria provided, single submitter. Criteria: ACMG Guidelines, 2015. Collection method: clinical testing. Allele origin: germline.

PreventionGenetics, part of Exact Sciences
Classification: Likely benign for DNAH1-related condition. Last evaluated: 2024-07-16. Review status: no assertion criteria provided. Collection method: clinical testing. Allele origin: germline. Not counted in ClinVar's aggregate classification.
Comment: This variant is classified as likely benign based on ACMG/AMP sequence variant interpretation guidelines (Richards et al. 2015 PMID: 25741868, with internal and published modifications).